The following is an entry in ClinVar:

ClinVar aggregate classification (germline): Uncertain significance (1 of 4 stars; one submission).

Conditions:
SEMA3E-related disorder. Also called: SEMA3E-related condition.

Submission:

PreventionGenetics, part of Exact Sciences
Classification: Uncertain significance for SEMA3E-related condition. Last evaluated: 2026-06-23. Review status: criteria provided, single submitter. Criteria: ACMG Guidelines, 2015. Collection method: clinical testing. Allele origin: germline.
Comment: The SEMA3E c.1788C>A variant is predicted to result in the amino acid substitution p.Asn596Lys. To our knowledge, this variant has not been reported in the literature or in a large population database (gnomAD), indicating this variant is rare. At this time, the clinical significance of this variant is uncertain due to the absence of conclusive functional and genetic evidence.

NM_012431.3(SEMA3E):c.1788C>A (p.Asn596Lys)

Gene: SEMA3E (semaphorin 3E; minus strand). Cytogenetic location: 7q21.11.
Variant type: single nucleotide variant.
Coding change: c.1788C>A on transcript NM_012431.3 (MANE Select); coding-DNA position 1788, C replaced by A.
Protein change: p.Asn596Lys; replaces asparagine 596 with lysine.
Molecular consequence: missense variant.
Genome position (GRCh38, 1-based): chr7:83,385,381, G>T on the plus strand (C>A on the coding strand, the complement: SEMA3E is on the minus strand). VCF-style: chr7-83385381-G-T. GRCh37 (hg19) VCF-style: chr7-83014697-G-T.
Other names: c.1608C>A, p.Asn536Lys (NM_001178129.2); short protein forms N596K, N536K.
Identifiers: ClinVar variation 4994198 (VCV004994198.1).
Genomic context (GRCh38, chr7:83,385,381, plus strand): 5'-CTGTACAAACCAGATAACTTTCGCTTGTAAAGATCGTGGGGTACATTCCAGCAAAGTACT[G>T]TTGTTCTCTATGCCATAAGCCAGATGTTCTTCAGTCTTATCCAAAGCATCCCCTACAACA-3'
Protein context (NP_036563.1, residues 586-606): EEHLAYGIEN[Asn596Lys]STLLECTPRS